The following is an entry in ClinVar:

ClinVar aggregate classification (germline): Uncertain significance. Review status: criteria provided, multiple submitters, no conflicts (2 of 4 stars). 2 submissions from 2 submitters: Uncertain significance (2). Last evaluated 2025-12-30.

Conditions:
Hereditary cancer-predisposing syndrome. Also called: Hereditary Cancer Syndrome; Tumor predisposition; Neoplastic Syndromes, Hereditary; Hereditary neoplastic syndrome. Identifiers: Orphanet 140162, MedGen C0027672, MeSH D009386, MONDO:0015356.
Tuberous sclerosis 2 (TSC2). Identifiers: Orphanet 805, MedGen C1860707, MONDO:0013199, OMIM 613254.

gnomAD v4.1: 1 of 1,612,662 alleles (0.000062%); no homozygotes.

Submissions (2):

Labcorp Genetics (formerly Invitae), Labcorp
Classification: Uncertain significance for Tuberous sclerosis 2. Last evaluated: 2025-12-30. Review status: criteria provided, single submitter. Criteria: Invitae Variant Classification Sherloc (09022015). Collection method: clinical testing. Allele origin: germline.
Comment: This sequence change replaces alanine, which is neutral and non-polar, with proline, which is neutral and non-polar, at codon 1776 of the TSC2 protein (p.Ala1776Pro). This variant is not present in population databases (gnomAD no frequency). This variant has not been reported in the literature in individuals affected with TSC2-related conditions. ClinVar contains an entry for this variant (Variation ID: 2109597). Invitae Evidence Modeling of protein sequence and biophysical properties (such as structural, functional, and spatial information, amino acid conservation, physicochemical variation, residue mobility, and thermodynamic stability) indicates that this missense variant is not expected to disrupt TSC2 protein function with a negative predictive value of 95%. In summary, the available evidence is currently insufficient to determine the role of this variant in disease. Therefore, it has been classified as a Variant of Uncertain Significance.

Ambry Genetics
Classification: Uncertain significance for Hereditary cancer-predisposing syndrome. Last evaluated: 2024-11-15. Review status: criteria provided, single submitter. Criteria: Ambry Variant Classification Scheme 2023. Collection method: clinical testing. Allele origin: germline.
Comment: The p.A1776P variant (also known as c.5326G>C), located in coding exon 41 of the TSC2 gene, results from a G to C substitution at nucleotide position 5326. The alanine at codon 1776 is replaced by proline, an amino acid with highly similar properties. This amino acid position is conserved. In addition, the in silico prediction for this alteration is inconclusive. Based on the available evidence, the clinical significance of this variant remains unclear.

NM_000548.5(TSC2):c.5326G>C (p.Ala1776Pro)

Gene: TSC2 (TSC complex subunit 2; plus strand). Cytogenetic location: 16p13.3.
Variant type: single nucleotide variant.
Coding change: c.5326G>C on transcript NM_000548.5 (MANE Select); coding-DNA position 5326, G replaced by C.
Protein change: p.Ala1776Pro; replaces alanine 1776 with proline.
Molecular consequence: missense variant.
Genome position (GRCh38, 1-based): chr16:2,088,512, G>C. VCF-style: chr16-2088512-G-C. GRCh37 (hg19) VCF-style: chr16-2138513-G-C.
Other names: c.4726G>C, p.Ala1576Pro (NM_001406680.1); c.4666G>C, p.Ala1556Pro (NM_001406681.1); c.4657G>C, p.Ala1553Pro (NM_001406682.1, NM_001406683.1); c.4654G>C, p.Ala1552Pro (NM_001406684.1); c.4528G>C, p.Ala1510Pro (NM_001406685.1, NM_001406686.1); c.4525G>C, p.Ala1509Pro (NM_001406687.1, NM_001406688.1); c.3913G>C, p.Ala1305Pro (NM_001406689.1); c.5125G>C, p.Ala1709Pro (NM_001077183.3); and 27 more; short protein forms A1262P, A1284P, A1660P, A1690P, A1705P, A1709P, A1716P, A1733P.
Identifiers: ClinVar variation 2109597 (VCV002109597.5), dbSNP rs2151639960, ClinGen allele CA394315545.